The following is an entry in ClinVar:

ClinVar aggregate classification (germline): Conflicting classifications of pathogenicity. Review status: criteria provided, conflicting classifications (1 of 4 stars). 8 submissions from 7 submitters: Uncertain significance (1); Benign (4); Likely benign (1). 2 of the submissions do not count toward it. Last evaluated 2026-01-15.

Conditions:
Corneal dystrophy. Identifiers: Orphanet 34533, MedGen C0010036, MONDO:0018102, HP:0001131.
Retinal dystrophy. Also called: Inherited retinal dystrophy. Identifiers: Orphanet 71862, MedGen C0854723, MeSH D058499, MONDO:0019118, HP:0000556.
Bietti crystalline corneoretinal dystrophy (BCD). Also called: BIETTI TAPETORETINAL DEGENERATION WITH MARGINAL CORNEAL DYSTROPHY; Bietti Crystalline Dystrophy. Identifiers: Orphanet 41751, MedGen C1859486, MONDO:0008865, OMIM 210370.

Allele frequency attached by ClinVar (database versions not stated): TOPMed 0.00074; gnomAD 0.00089; 1000 Genomes Project 0.00240; 1000 Genomes Project 30x 0.00265; ESP Exome Variant Server 0.00008.

Submissions (8):

Labcorp Genetics (formerly Invitae), Labcorp
Classification: Benign. Last evaluated: 2026-01-15. Review status: criteria provided, single submitter. Criteria: Invitae Variant Classification Sherloc (09022015). Collection method: clinical testing. Allele origin: germline.

Blueprint Genetics
Classification: Benign. Last evaluated: 2024-10-22. Review status: criteria provided, single submitter. Criteria: ACMG Guidelines, 2015. Collection method: clinical testing. Allele origin: germline.

Dept Of Ophthalmology, Nagoya University
Classification: Benign for Retinal dystrophy. Last evaluated: 2023-10-01. Review status: criteria provided, single submitter. Criteria: Submitter's publication. Collection method: research. Allele origin: germline. Affected: yes.

Illumina Laboratory Services, Illumina
Classification: Likely benign for Bietti crystalline corneoretinal dystrophy. Last evaluated: 2018-01-12. Review status: criteria provided, single submitter. Criteria: ICSL Variant Classification Criteria 13 December 2019. Collection method: clinical testing. Allele origin: germline.
Comment: This variant was observed in the ICSL laboratory as part of a predisposition screen in an ostensibly healthy population. It had not been previously curated by ICSL or reported in the Human Gene Mutation Database (HGMD: prior to June 1st, 2018), and was therefore a candidate for classification through an automated scoring system. Utilizing variant allele frequency, disease prevalence and penetrance estimates, and inheritance mode, an automated score was calculated to assess if this variant is too frequent to cause the disease. Based on the score and internal cut-off values, a variant classified as likely benign is not then subjected to further curation. The score for this variant resulted in a classification of likely benign for this disease.

Illumina Laboratory Services, Illumina
Classification: Uncertain significance for Corneal dystrophy. Last evaluated: 2018-01-12. Review status: criteria provided, single submitter. Criteria: ICSL Variant Classification Criteria 13 December 2019. Collection method: clinical testing. Allele origin: germline.

Eurofins Ntd Llc (ga)
Classification: Benign. Last evaluated: 2015-02-25. Review status: criteria provided, single submitter. Criteria: EGL Classification Definitions 2015. Collection method: clinical testing. Allele origin: germline. Observed: 2 variant alleles, 2 heterozygotes.

Clinical Genetics DNA and cytogenetics Diagnostics Lab, Erasmus MC, Erasmus Medical Center
Classification: Likely benign. Review status: no assertion criteria provided. Collection method: clinical testing. Allele origin: germline. Affected: yes. Study: VKGL Data-share Consensus. Not counted in ClinVar's aggregate classification.

Clinical Genetics, Academic Medical Center
Classification: Benign. Review status: no assertion criteria provided. Collection method: clinical testing. Allele origin: germline. Affected: yes. Study: VKGL Data-share Consensus. Not counted in ClinVar's aggregate classification.

NM_207352.4(CYP4V2):c.1446G>A (p.Ser482=)

Gene: CYP4V2 (cytochrome P450 family 4 subfamily V member 2; plus strand). Cytogenetic location: 4q35.2.
Variant type: single nucleotide variant.
Coding change: c.1446G>A on transcript NM_207352.4 (MANE Select); coding-DNA position 1446, G replaced by A.
Protein change: p.Ser482=; no amino-acid change (serine 482 retained).
Molecular consequence: synonymous variant.
Genome position (GRCh38, 1-based): chr4:186,210,509, G>A. VCF-style: chr4-186210509-G-A. GRCh37 (hg19) VCF-style: chr4-187131663-G-A.
Identifiers: ClinVar variation 193951 (VCV000193951.24), dbSNP rs141950964, ClinGen allele CA200875.